The following is an entry in ClinVar:

NM_001318510.2(ACSL4):c.773T>G (p.Met258Arg)

Gene: ACSL4 (acyl-CoA synthetase long chain family member 4; minus strand). Cytogenetic location: Xq23.
Variant type: single nucleotide variant.
Coding change: c.773T>G on transcript NM_001318510.2 (MANE Select); coding-DNA position 773, T replaced by G.
Protein change: p.Met258Arg; replaces methionine 258 with arginine.
Molecular consequence: missense variant.
Genome position (GRCh38, 1-based): chrX:109,678,298, A>C on the plus strand (T>G on the coding strand, the complement: ACSL4 is on the minus strand). VCF-style: chrX-109678298-A-C. GRCh37 (hg19) VCF-style: chrX-108921527-A-C.
Other names: c.896T>G, p.Met299Arg (NM_001318509.2, NM_022977.3); c.773T>G, p.Met258Arg (NM_004458.3); short protein forms M258R, M299R.
Identifiers: ClinVar variation 2661181 (VCV002661181.24), dbSNP rs2521180822, ClinGen allele CA414217552.
Genomic context (GRCh38, chrX:109,678,298, plus strand): 5'-AAGAAGAAAGTTAAAGAATTATCTTACCCCAGTCCAGGTATTCTTTCACACTGGCCTGTC[A>C]TTCCAGCTATCAAATTGCTATGATGCATCATCACTCCCTTAGGTCGGCCAGTAGAACCAC-3'
Protein context (NP_001305439.1, residues 248-268): MMHHSNLIAG[Met258Arg]TGQCERIPGL

ClinVar aggregate classification (germline): Uncertain significance (1 of 4 stars; one submission).

Submission:

CeGaT Center for Human Genetics Tuebingen
Classification: Uncertain significance. Last evaluated: 2022-12-01. Review status: criteria provided, single submitter. Criteria: CeGaT Center For Human Genetics Tuebingen Variant Classification Criteria Version 2. Collection method: clinical testing. Allele origin: germline. Affected: yes. Observed: 1 variant allele.
Comment: ACSL4: PM2